The following is an entry in ClinVar:

ClinVar aggregate classification (germline): Uncertain significance. Review status: criteria provided, multiple submitters, no conflicts (2 of 4 stars). 2 submissions from 2 submitters: Uncertain significance (2). Last evaluated 2022-03-18.

Conditions:
Hereditary hyperekplexia. Identifiers: Orphanet 3197, MedGen C4084968, MONDO:0021022.
Inborn genetic diseases. Identifiers: MedGen C0950123, MeSH D030342.

Submissions (2):

Ambry Genetics
Classification: Uncertain significance for Inborn genetic diseases. Last evaluated: 2022-03-18. Review status: criteria provided, single submitter. Criteria: Ambry Variant Classification Scheme 2023. Collection method: clinical testing. Allele origin: germline.
Comment: The c.855_872del18 (p.I285_T290del) alteration is located in exon 7 (coding exon 7) of the GLRA1 gene. This alteration consists of an in-frame deletion of 18 nucleotides between nucleotide positions c.855 and c.872, resulting in the deletion of <NA> residues. Based on insufficient or conflicting evidence, the clinical significance of this alteration remains unclear.

Labcorp Genetics (formerly Invitae), Labcorp
Classification: Uncertain significance for Hereditary hyperekplexia. Last evaluated: 2021-04-02. Review status: criteria provided, single submitter. Criteria: Invitae Variant Classification Sherloc (09022015). Collection method: clinical testing. Allele origin: germline.
Comment: In summary, the available evidence is currently insufficient to determine the role of this variant in disease. Therefore, it has been classified as a Variant of Uncertain Significance. Experimental studies and prediction algorithms are not available or were not evaluated, and the functional significance of this variant is currently unknown. This variant has not been reported in the literature in individuals with GLRA1-related conditions. This variant is not present in population databases (ExAC no frequency). This variant, c.855_872del, results in the deletion of 6 amino acid(s) of the GLRA1 protein (p.Ile285_Thr290del), but otherwise preserves the integrity of the reading frame.

NM_000171.4(GLRA1):c.855_872del (p.Ile285_Thr290del)

Gene: GLRA1 (glycine receptor alpha 1; minus strand). Cytogenetic location: 5q33.1.
Variant type: Deletion.
Coding change: c.855_872del on transcript NM_000171.4 (MANE Select); coding-DNA positions 855 to 872, 18 bases deleted (CACCACTGTGCTCACCAT).
Protein change: p.Ile285_Thr290del.
Molecular consequence: inframe deletion.
Genome position (GRCh38, 1-based): chr5:151,851,430-151,851,447, ATGGTGAGCACAGTGGTG deleted on the plus strand (CACCACTGTGCTCACCAT on the coding strand, the reverse complement: GLRA1 is on the minus strand); deleting any 18 consecutive bases within chr5:151,851,430-151,851,450 gives the same sequence; the c. name uses the placement nearest the transcript's 3' end. VCF-style (leftmost placement, unchanged base first): chr5-151851429-CATGGTGAGCACAGTGGTG-C. GRCh37 (hg19) VCF-style: chr5-151230990-CATGGTGAGCACAGTGGTG-C.
Other names: c.855_872del18 (NM_000171.3); c.855_872del, p.Ile285_Thr290del (NM_001146040.2); c.606_623del, p.Ile202_Thr207del (NM_001292000.2).
Identifiers: ClinVar variation 1479578 (VCV001479578.9), dbSNP rs1188392402, ClinGen allele CA563631489.